The following is an entry in ClinVar:

ClinVar aggregate classification (germline): Uncertain significance. Review status: criteria provided, multiple submitters, no conflicts (2 of 4 stars). 2 submissions from 2 submitters: Uncertain significance (2). Last evaluated 2025-08-06.

Conditions:
Inborn genetic diseases. Identifiers: MedGen C0950123, MeSH D030342.

gnomAD v4.1: 11 of 1,613,676 alleles (0.00068%); highest among the groups gnomAD compares: Middle Eastern, 0.033%; no homozygotes.

Submissions (2):

Labcorp Genetics (formerly Invitae), Labcorp
Classification: Uncertain significance. Last evaluated: 2025-08-06. Review status: criteria provided, single submitter. Criteria: Invitae Variant Classification Sherloc (09022015). Collection method: clinical testing. Allele origin: germline.
Comment: This sequence change replaces phenylalanine, which is neutral and non-polar, with leucine, which is neutral and non-polar, at codon 153 of the PROM1 protein (p.Phe153Leu). This variant is present in population databases (rs754270714, gnomAD 0.03%). This variant has not been reported in the literature in individuals affected with PROM1-related conditions. ClinVar contains an entry for this variant (Variation ID: 3310298). Invitae Evidence Modeling of protein sequence and biophysical properties (such as structural, functional, and spatial information, amino acid conservation, physicochemical variation, residue mobility, and thermodynamic stability) indicates that this missense variant is not expected to disrupt PROM1 protein function with a negative predictive value of 80%. In summary, the available evidence is currently insufficient to determine the role of this variant in disease. Therefore, it has been classified as a Variant of Uncertain Significance.

Ambry Genetics
Classification: Uncertain significance for Inborn genetic diseases. Last evaluated: 2024-05-30. Review status: criteria provided, single submitter. Criteria: Ambry Variant Classification Scheme 2023. Collection method: clinical testing. Allele origin: germline.

NM_006017.3(PROM1):c.459C>G (p.Phe153Leu)

Gene: PROM1 (prominin 1; minus strand). Cytogenetic location: 4p15.32.
Variant type: single nucleotide variant.
Coding change: c.459C>G on transcript NM_006017.3 (MANE Select); coding-DNA position 459, C replaced by G.
Protein change: p.Phe153Leu; replaces phenylalanine 153 with leucine.
Molecular consequence: missense variant.
Genome position (GRCh38, 1-based): chr4:16,033,354, G>C on the plus strand (C>G on the coding strand, the complement: PROM1 is on the minus strand). VCF-style: chr4-16033354-G-C. GRCh37 (hg19) VCF-style: chr4-16034977-G-C.
Other names: c.432C>G, p.Phe144Leu (NM_001145847.2, NM_001145848.2, NM_001145851.2 and 4 more transcripts); c.459C>G, p.Phe153Leu (NM_001145849.2, NM_001145850.2); short protein forms F144L, F153L.
Identifiers: ClinVar variation 3310298 (VCV003310298.2).